The following is an entry in ClinVar:

NM_006904.7(PRKDC):c.6595T>G (p.Leu2199Val)

Gene: PRKDC (protein kinase, DNA-activated, catalytic subunit; minus strand). Cytogenetic location: 8q11.21.
Variant type: single nucleotide variant.
Coding change: c.6595T>G on transcript NM_006904.7 (MANE Select); coding-DNA position 6595, T replaced by G.
Protein change: p.Leu2199Val; replaces leucine 2199 with valine.
Molecular consequence: missense variant.
Genome position (GRCh38, 1-based): chr8:47,857,170, A>C on the plus strand (T>G on the coding strand, the complement: PRKDC is on the minus strand). VCF-style: chr8-47857170-A-C. GRCh37 (hg19) VCF-style: chr8-48769731-A-C.
Other names: c.6595T>G, p.Leu2199Val (NM_001081640.2); short protein forms L2199V.
Identifiers: ClinVar variation 2093861 (VCV002093861.2), dbSNP rs2088561200, ClinGen allele CA371159875.

ClinVar aggregate classification (germline): Uncertain significance (1 of 4 stars; one submission).

Conditions:
Severe combined immunodeficiency due to DNA-PKcs deficiency. Also called: IMMUNODEFICIENCY 26 WITH NEUROLOGIC ABNORMALITIES; Immunodeficiency 26 with or without neurologic abnormalities. Identifiers: Orphanet 317425, MedGen C4014833, MONDO:0014423, OMIM 615966.

Submission:

Labcorp Genetics (formerly Invitae), Labcorp
Classification: Uncertain significance for Severe combined immunodeficiency due to DNA-PKcs deficiency. Last evaluated: 2022-03-19. Review status: criteria provided, single submitter. Criteria: Invitae Variant Classification Sherloc (09022015). Collection method: clinical testing. Allele origin: germline.
Comment: In summary, the available evidence is currently insufficient to determine the role of this variant in disease. Therefore, it has been classified as a Variant of Uncertain Significance. Experimental studies and prediction algorithms are not available or were not evaluated, and the functional significance of this variant is currently unknown. This variant has not been reported in the literature in individuals affected with PRKDC-related conditions. This variant is not present in population databases (gnomAD no frequency). This sequence change replaces leucine, which is neutral and non-polar, with valine, which is neutral and non-polar, at codon 2199 of the PRKDC protein (p.Leu2199Val).